The following is an entry in ClinVar:

NM_020433.5(JPH2):c.1772_1777dup (p.Ser592_Glu593insGlySer)

Gene: JPH2 (junctophilin 2; minus strand). Cytogenetic location: 20q13.12.
Variant type: Duplication.
Coding change: c.1772_1777dup on transcript NM_020433.5 (MANE Select); coding-DNA positions 1772 to 1777, 6 bases duplicated (GGTCCG; older notation c.1772_1777dupGGTCCG).
Protein change: p.Ser592_Glu593insGlySer.
Molecular consequence: inframe insertion. On other transcripts: inframe indel (1).
Genome position (GRCh38, 1-based): chr20:44,115,898-44,115,903, CGGACC duplicated on the plus strand (GGTCCG on the coding strand, the reverse complement: JPH2 is on the minus strand); duplicating any 6 consecutive bases within chr20:44,115,898-44,115,907 gives the same sequence; the c. name uses the placement nearest the transcript's 3' end. VCF-style (leftmost placement, unchanged base first): chr20-44115897-T-TCGGACC. GRCh37 (hg19) VCF-style: chr20-42744537-T-TCGGACC.
Other names: c.1772_1777dupGGTCCG (NM_020433.4).
Identifiers: ClinVar variation 1779814 (VCV001779814.4), dbSNP rs761938315, ClinGen allele CA9868613.

ClinVar aggregate classification (germline): Uncertain significance. Review status: criteria provided, multiple submitters, no conflicts (2 of 4 stars). 2 submissions from 2 submitters: Uncertain significance (2). Last evaluated 2024-05-22.

Conditions:
Hypertrophic cardiomyopathy. Also called: HYPERTROPHIC MYOCARDIOPATHY. Identifiers: Orphanet 217569, MedGen C0007194, MeSH D002312, MONDO:0005045, HP:0001639.
Cardiovascular phenotype. Identifiers: MedGen CN230736.

Submissions (2):

Labcorp Genetics (formerly Invitae), Labcorp
Classification: Uncertain significance for Hypertrophic cardiomyopathy. Last evaluated: 2024-05-22. Review status: criteria provided, single submitter. Criteria: Invitae Variant Classification Sherloc (09022015). Collection method: clinical testing. Allele origin: germline.
Comment: This variant, c.1772_1777dup, results in the insertion of 2 amino acid(s) of the JPH2 protein (p.Gly591_Ser592dup), but otherwise preserves the integrity of the reading frame. This variant is present in population databases (rs761938315, gnomAD 0.006%). This variant has not been reported in the literature in individuals affected with JPH2-related conditions. ClinVar contains an entry for this variant (Variation ID: 1779814). In summary, the available evidence is currently insufficient to determine the role of this variant in disease. Therefore, it has been classified as a Variant of Uncertain Significance.

Ambry Genetics
Classification: Uncertain significance for Cardiovascular phenotype. Last evaluated: 2021-12-01. Review status: criteria provided, single submitter. Criteria: Ambry Variant Classification Scheme 2023. Collection method: clinical testing. Allele origin: germline.
Comment: The c.1772_1777dupGGTCCG variant (also known as p.G591_S592dup), located in coding exon 4 of the JPH2 gene, results from an in-frame duplication of GGTCCG at nucleotide positions 1772 to 1777. This results in the duplication of 2 extra residues (GS) between codons 591 and 592. This amino acid region is not well conserved in available vertebrate species. In addition, this alteration is predicted to be neutral by in silico analysis (Choi Y et al. PLoS ONE. 2012; 7(10):e46688). Since supporting evidence is limited at this time, the clinical significance of this alteration remains unclear.